The following is an entry in ClinVar:

ClinVar aggregate classification (germline): Pathogenic (1 of 4 stars; one submission).

Conditions:
Cohen syndrome (COH1). Also called: Cutis verticis gyrata, retinitis pigmentosa, and sensorineural deafness; PEPPER SYNDROME. Identifiers: Orphanet 193, MedGen C0265223, MONDO:0008999, OMIM 216550.

Submission:

Myriad Genetics, Inc.
Classification: Pathogenic for Cohen syndrome. Last evaluated: 2026-06-17. Review status: criteria provided, single submitter. Criteria: Myriad Autosomal Dominant, Autosomal Recessive and X-Linked Classification Criteria (2023). Collection method: clinical testing. Allele origin: unknown.
Comment: NM_017890.4(VPS13B):c.3208C>T(Q1070*) is expected to be pathogenic in the context of Cohen syndrome. This variant is predicted to lead to an abnormal or absent protein product due to the creation of a premature termination codon in VPS13B, a gene where loss-of-function variants are known to be pathogenic. Please note: this variant was assessed in the context of healthy population screening.

NM_152564.5(VPS13B):c.3208C>T (p.Gln1070Ter)

Gene: VPS13B (vacuolar protein sorting 13 homolog B; plus strand). Cytogenetic location: 8q22.2.
Variant type: single nucleotide variant.
Coding change: c.3208C>T on transcript NM_152564.5 (MANE Select); coding-DNA position 3208, C replaced by T.
Protein change: p.Gln1070Ter; replaces glutamine 1070 with a stop codon.
Molecular consequence: nonsense.
Genome position (GRCh38, 1-based): chr8:99,431,662, C>T. VCF-style: chr8-99431662-C-T. GRCh37 (hg19) VCF-style: chr8-100443890-C-T.
Other names: c.3208C>T, p.Gln1070Ter (NM_017890.5); short protein forms Q1070*.
Identifiers: ClinVar variation 5016051 (VCV005016051.1).